The following is an entry in ClinVar:

NM_014423.4(AFF4):c.3074C>T (p.Ser1025Leu)

Gene: AFF4 (ALF transcription elongation factor 4; minus strand). Cytogenetic location: 5q31.1.
Variant type: single nucleotide variant.
Coding change: c.3074C>T on transcript NM_014423.4 (MANE Select); coding-DNA position 3074, C replaced by T.
Protein change: p.Ser1025Leu; replaces serine 1025 with leucine.
Molecular consequence: missense variant.
Genome position (GRCh38, 1-based): chr5:132,886,335, G>A on the plus strand (C>T on the coding strand, the complement: AFF4 is on the minus strand). VCF-style: chr5-132886335-G-A. GRCh37 (hg19) VCF-style: chr5-132222027-G-A.
Other names: short protein forms S1025L.
Identifiers: ClinVar variation 3346720 (VCV003346720.2).

ClinVar aggregate classification (germline): Uncertain significance (1 of 4 stars; one submission).

Conditions:
AFF4-related disorder. Also called: AFF4-related condition.

gnomAD v4.1: 2 of 1,614,122 alleles (0.00012%); highest among the groups gnomAD compares: Non-Finnish European, 0.00017%; no homozygotes.

Submission:

PreventionGenetics, part of Exact Sciences
Classification: Uncertain significance for AFF4-related condition. Last evaluated: 2025-10-24. Review status: criteria provided, single submitter. Criteria: ACMG Guidelines, 2015. Collection method: clinical testing. Allele origin: germline.
Comment: The AFF4 c.3074C>T variant is predicted to result in the amino acid substitution p.Ser1025Leu. To our knowledge, this variant has not been reported in the literature or in a large population database, indicating this variant is rare. At this time, the clinical significance of this variant is uncertain due to the absence of conclusive functional and genetic evidence.